The following is an entry in ClinVar:

ClinVar aggregate classification (germline): Uncertain significance. Review status: criteria provided, multiple submitters, no conflicts (2 of 4 stars). 4 submissions from 4 submitters: Uncertain significance (4). Last evaluated 2025-01-19.

Conditions:
Fanconi anemia (FA). Also called: Fanconi's anemia. Identifiers: Orphanet 84, MedGen C0015625, MeSH D005199, MONDO:0019391.
Inborn genetic diseases. Identifiers: MedGen C0950123, MeSH D030342.

Allele frequency attached by ClinVar (database versions not stated): gnomAD exomes 0.00001; gnomAD 0.00004; TOPMed 0.00003.
gnomAD v4.1: 16 of 1,613,810 alleles (0.00099%); highest among the groups gnomAD compares: African/African-American, 0.008%; no homozygotes.

Submissions (4):

Labcorp Genetics (formerly Invitae), Labcorp
Classification: Uncertain significance for Fanconi anemia. Last evaluated: 2025-01-19. Review status: criteria provided, single submitter. Criteria: Invitae Variant Classification Sherloc (09022015). Collection method: clinical testing. Allele origin: germline.
Comment: This sequence change replaces serine, which is neutral and polar, with arginine, which is basic and polar, at codon 1316 of the FANCD2 protein (p.Ser1316Arg). This variant is present in population databases (no rsID available, gnomAD 0.01%). This variant has not been reported in the literature in individuals affected with FANCD2-related conditions. ClinVar contains an entry for this variant (Variation ID: 2443577). Invitae Evidence Modeling of protein sequence and biophysical properties (such as structural, functional, and spatial information, amino acid conservation, physicochemical variation, residue mobility, and thermodynamic stability) indicates that this missense variant is expected to disrupt FANCD2 protein function with a positive predictive value of 80%. In summary, the available evidence is currently insufficient to determine the role of this variant in disease. Therefore, it has been classified as a Variant of Uncertain Significance.

Ambry Genetics
Classification: Uncertain significance for Inborn genetic diseases. Last evaluated: 2024-02-17. Review status: criteria provided, single submitter. Criteria: Ambry Variant Classification Scheme 2023. Collection method: clinical testing. Allele origin: germline.

GeneDx
Classification: Uncertain significance. Last evaluated: 2022-09-09. Review status: criteria provided, single submitter. Criteria: GeneDx Variant Classification Process June 2021. Collection method: clinical testing. Allele origin: germline. Affected: yes.
Comment: In silico analysis supports that this missense variant does not alter protein structure/function; Has not been previously published as pathogenic or benign to our knowledge

Blueprint Genetics
Classification: Uncertain significance. Last evaluated: 2020-05-22. Review status: criteria provided, single submitter. Criteria: ACMG Guidelines, 2015. Collection method: clinical testing. Allele origin: germline.

NM_001018115.3(FANCD2):c.3946A>C (p.Ser1316Arg)

Genes: FANCD2 (FA complementation group D2; plus strand), FANCD2OS (FANCD2 opposite strand; minus strand). Cytogenetic location: 3p25.3.
Variant type: single nucleotide variant.
Coding change: c.3946A>C on transcript NM_001018115.3 (MANE Select); coding-DNA position 3946, A replaced by C.
Protein change: p.Ser1316Arg; replaces serine 1316 with arginine.
Molecular consequence: missense variant. On other transcripts: intron variant (1).
Genome position (GRCh38, 1-based): chr3:10,094,346, A>C. VCF-style: chr3-10094346-A-C. GRCh37 (hg19) VCF-style: chr3-10136030-A-C.
Other names: c.3946A>C, p.Ser1316Arg (NM_001319984.2, NM_033084.6); c.3835A>C, p.Ser1279Arg (NM_001374253.1); c.3907A>C, p.Ser1303Arg (NM_001374254.1); c.*43+9852T>G (NM_173472.2); short protein forms S1279R, S1303R, S1316R.
Identifiers: ClinVar variation 2443577 (VCV002443577.5), dbSNP rs987819449, ClinGen allele CA70036953.